The following is an entry in ClinVar:

ClinVar aggregate classification (germline): Likely benign. Review status: criteria provided, multiple submitters, no conflicts (2 of 4 stars). 2 submissions from 2 submitters: Likely benign (2). Last evaluated 2026-04-01.

Conditions:
Primary ciliary dyskinesia. Also called: Ciliary dyskinesia. Identifiers: Orphanet 244, MedGen C0008780, MONDO:0016575, HP:0012265.

Allele frequency attached by ClinVar (database versions not stated): gnomAD exomes below 0.00001 and 0.00001; TOPMed below 0.00001; ExAC 0.00001.
gnomAD v4.1: 18 of 1,613,964 alleles (0.0011%); highest among the groups gnomAD compares: Non-Finnish European, 0.0014%; no homozygotes.

Submissions (2):

CeGaT Center for Human Genetics Tuebingen
Classification: Likely benign. Last evaluated: 2026-04-01. Review status: criteria provided, single submitter. Criteria: CeGaT Center For Human Genetics Tuebingen Variant Classification Criteria Version 2. Collection method: clinical testing. Allele origin: germline. Affected: yes. Observed: 1 variant allele.
Comment: DNAH5: BP4, BP7

Labcorp Genetics (formerly Invitae), Labcorp
Classification: Likely benign for Primary ciliary dyskinesia. Last evaluated: 2025-01-15. Review status: criteria provided, single submitter. Criteria: Invitae Variant Classification Sherloc (09022015). Collection method: clinical testing. Allele origin: germline.

NM_001369.3(DNAH5):c.2286G>A (p.Val762=)

Genes: DNAH5 (dynein axonemal heavy chain 5; minus strand), DNAH5-AS1 (DNAH5 antisense RNA 1; plus strand). Cytogenetic location: 5p15.2.
Variant type: single nucleotide variant.
Coding change: c.2286G>A on transcript NM_001369.3 (MANE Select); coding-DNA position 2286, G replaced by A.
Protein change: p.Val762=; no amino-acid change (valine 762 retained).
Molecular consequence: synonymous variant.
Genome position (GRCh38, 1-based): chr5:13,894,795, C>T on the plus strand (G>A on the coding strand, the complement: DNAH5 is on the minus strand). VCF-style: chr5-13894795-C-T. GRCh37 (hg19) VCF-style: chr5-13894904-C-T.
Identifiers: ClinVar variation 1665463 (VCV001665463.10), dbSNP rs759849155, ClinGen allele CA3204616.